The following is an entry in ClinVar:

NM_018389.5(SLC35C1):c.1018G>A (p.Val340Ile)

Gene: SLC35C1 (solute carrier family 35 member C1; plus strand). Cytogenetic location: 11p11.2.
Variant type: single nucleotide variant.
Coding change: c.1018G>A on transcript NM_018389.5 (MANE Select); coding-DNA position 1018, G replaced by A.
Protein change: p.Val340Ile; replaces valine 340 with isoleucine.
Molecular consequence: missense variant.
Genome position (GRCh38, 1-based): chr11:45,811,258, G>A. VCF-style: chr11-45811258-G-A. GRCh37 (hg19) VCF-style: chr11-45832809-G-A.
Other names: c.979G>A, p.Val327Ile (NM_001145265.2, NM_001145266.2); short protein forms V327I, V340I.
Identifiers: ClinVar variation 1501893 (VCV001501893.6), dbSNP rs776527276, ClinGen allele CA5958380.

ClinVar aggregate classification (germline): Uncertain significance (1 of 4 stars; one submission).

Conditions:
Leukocyte adhesion deficiency type II. Also called: CONGENITAL DISORDER OF GLYCOSYLATION, TYPE IIc; Congenital disorder of glycosylation type 2C; CDG 2C; Leukocyte adhesion deficiency type 2; Rambam Hasharon syndrome; CDG IIc. Identifiers: Orphanet 2968, Orphanet 99843, MedGen C0398739, MONDO:0009953, OMIM 266265.

Allele frequency attached by ClinVar (database versions not stated): gnomAD exomes 0.00001 and 0.00002; ExAC 0.00002.
gnomAD v4.1: 6 of 1,592,392 alleles (0.00038%); highest among the groups gnomAD compares: South Asian, 0.0067%; no homozygotes.

Submission:

Labcorp Genetics (formerly Invitae), Labcorp
Classification: Uncertain significance for Leukocyte adhesion deficiency type II. Last evaluated: 2023-12-11. Review status: criteria provided, single submitter. Criteria: Invitae Variant Classification Sherloc (09022015). Collection method: clinical testing. Allele origin: germline.
Comment: This sequence change replaces valine, which is neutral and non-polar, with isoleucine, which is neutral and non-polar, at codon 340 of the SLC35C1 protein (p.Val340Ile). This variant is present in population databases (rs776527276, gnomAD 0.01%). This variant has not been reported in the literature in individuals affected with SLC35C1-related conditions. ClinVar contains an entry for this variant (Variation ID: 1501893). Advanced modeling of protein sequence and biophysical properties (such as structural, functional, and spatial information, amino acid conservation, physicochemical variation, residue mobility, and thermodynamic stability) performed at Invitae indicates that this missense variant is not expected to disrupt SLC35C1 protein function with a negative predictive value of 80%. In summary, the available evidence is currently insufficient to determine the role of this variant in disease. Therefore, it has been classified as a Variant of Uncertain Significance.